The following is an entry in ClinVar:

NM_020779.4(WDR35):c.3043G>A (p.Gly1015Arg)

Gene: WDR35 (WD repeat domain 35; minus strand). Cytogenetic location: 2p24.1.
Variant type: single nucleotide variant.
Coding change: c.3043G>A on transcript NM_020779.4 (MANE Select); coding-DNA position 3043, G replaced by A.
Protein change: p.Gly1015Arg; replaces glycine 1015 with arginine.
Molecular consequence: missense variant.
Genome position (GRCh38, 1-based): chr2:19,930,474, C>T on the plus strand (G>A on the coding strand, the complement: WDR35 is on the minus strand). VCF-style: chr2-19930474-C-T. GRCh37 (hg19) VCF-style: chr2-20130235-C-T.
Other names: c.3076G>A, p.Gly1026Arg (NM_001006657.2); short protein forms G1015R, G1026R.
Identifiers: ClinVar variation 1706685 (VCV001706685.2), dbSNP rs1670490933, ClinGen allele CA345941613.

ClinVar aggregate classification (germline): Uncertain significance (1 of 4 stars; one submission).

Allele frequency attached by ClinVar (database versions not stated): gnomAD exomes below 0.00001.
gnomAD v4.1: 2 of 1,614,130 alleles (0.00012%); highest among the groups gnomAD compares: African/African-American, 0.0027%; no homozygotes.

Submission:

GeneDx
Classification: Uncertain significance. Last evaluated: 2022-03-22. Review status: criteria provided, single submitter. Criteria: GeneDx Variant Classification Process June 2021. Collection method: clinical testing. Allele origin: germline. Affected: yes.
Comment: Not observed at significant frequency in large population cohorts (gnomAD); In silico analysis supports that this missense variant has a deleterious effect on protein structure/function; Has not been previously published as pathogenic or benign to our knowledge